The following is an entry in ClinVar:

ClinVar aggregate classification (germline): Uncertain significance (1 of 4 stars; one submission).

Conditions:
Ullrich congenital muscular dystrophy 2 (UCMD2). Identifiers: Orphanet 75840, MedGen C4225314, MONDO:0014654, OMIM 616470.
Bethlem myopathy 2 (BTHLM2). Identifiers: Orphanet 536516, Orphanet 610, MedGen C4225313, MONDO:0034022, OMIM 616471.

Submission:

Labcorp Genetics (formerly Invitae), Labcorp
Classification: Uncertain significance for Bethlem myopathy 2; Ullrich congenital muscular dystrophy 2. Last evaluated: 2023-06-27. Review status: criteria provided, single submitter. Criteria: Invitae Variant Classification Sherloc (09022015). Collection method: clinical testing. Allele origin: germline.
Comment: In summary, the available evidence is currently insufficient to determine the role of this variant in disease. Therefore, it has been classified as a Variant of Uncertain Significance. Advanced modeling of protein sequence and biophysical properties (such as structural, functional, and spatial information, amino acid conservation, physicochemical variation, residue mobility, and thermodynamic stability) performed at Invitae indicates that this missense variant is not expected to disrupt COL12A1 protein function. This variant has not been reported in the literature in individuals affected with COL12A1-related conditions. This variant is not present in population databases (gnomAD no frequency). This sequence change replaces serine, which is neutral and polar, with threonine, which is neutral and polar, at codon 2488 of the COL12A1 protein (p.Ser2488Thr).

NM_004370.6(COL12A1):c.7462T>A (p.Ser2488Thr)

Gene: COL12A1 (collagen type XII alpha 1 chain; minus strand). Cytogenetic location: 6q13.
Variant type: single nucleotide variant.
Coding change: c.7462T>A on transcript NM_004370.6 (MANE Select); coding-DNA position 7462, T replaced by A.
Protein change: p.Ser2488Thr; replaces serine 2488 with threonine.
Molecular consequence: missense variant.
Genome position (GRCh38, 1-based): chr6:75,117,439, A>T on the plus strand (T>A on the coding strand, the complement: COL12A1 is on the minus strand). VCF-style: chr6-75117439-A-T. GRCh37 (hg19) VCF-style: chr6-75827155-A-T.
Other names: c.7462T>A, p.Ser2488Thr (NM_001424113.1); c.7441T>A, p.Ser2481Thr (NM_001424114.1); c.7189T>A, p.Ser2397Thr (NM_001424115.1); c.3970T>A, p.Ser1324Thr (NM_001424116.1, NM_080645.3); short protein forms S2481T, S2488T, S1324T, S2397T.
Identifiers: ClinVar variation 2941096 (VCV002941096.3), dbSNP rs2533190456, ClinGen allele CA364746433.
Genomic context (GRCh38, chr6:75,117,439, plus strand): 5'-TACTTGAAGTGGCAGTTTCACAAACAAATGTAATAAGATTGTCTTCGATCTTCTCAAAAG[A>T]TTCAAAGTCGTCCACAATGAACACGTGCCGTTCACTTGGTTTGCTGGCAATGTTGGCAAG-3'
Protein context (NP_004361.3, residues 2478-2498): RHVFIVDDFE[Ser2488Thr]FEKIEDNLIT